The following is an entry in ClinVar:

NM_001348323.3(TRIP12):c.329A>G (p.Asn110Ser)

Gene: TRIP12 (thyroid hormone receptor interactor 12; minus strand). Cytogenetic location: 2q36.3.
Variant type: single nucleotide variant.
Coding change: c.329A>G on transcript NM_001348323.3 (MANE Select); coding-DNA position 329, A replaced by G.
Protein change: p.Asn110Ser; replaces asparagine 110 with serine.
Molecular consequence: missense variant. On other transcripts: intron variant (1).
Genome position (GRCh38, 1-based): chr2:229,859,470, T>C on the plus strand (A>G on the coding strand, the complement: TRIP12 is on the minus strand). VCF-style: chr2-229859470-T-C. GRCh37 (hg19) VCF-style: chr2-230724186-T-C.
Other names: c.329A>G, p.Asn110Ser (NM_001284214.2, NM_001348315.2, NM_001348319.1 and 15 more transcripts); c.203A>G, p.Asn68Ser (NM_001284215.2, NM_001348316.2, NM_001348317.1 and 3 more transcripts); c.98+20512A>G (NM_001284216.2); short protein forms N110S, N68S.
Identifiers: ClinVar variation 2437328 (VCV002437328.4), dbSNP rs772882161, ClinGen allele CA2153524.

ClinVar aggregate classification (germline): Conflicting classifications of pathogenicity. Review status: criteria provided, conflicting classifications (1 of 4 stars). 2 submissions from 2 submitters: Uncertain significance (1); Likely benign (1). Last evaluated 2026-09-01.

Conditions:
Clark-Baraitser syndrome. Also called: Intellectual disability, autosomal dominant 49; MENTAL RETARDATION, AUTOSOMAL DOMINANT 49; BARAITSER SYNDROME; Mental retardation, tall stature, obesity, macrocephaly and typical facial features. Identifiers: Orphanet 600731, MedGen C2931130, MONDO:0030914, OMIM 617752.

Allele frequency attached by ClinVar (database versions not stated): gnomAD 0.00001; TOPMed 0.00001; ExAC 0.00002; gnomAD exomes 0.00003.
gnomAD v4.1: 48 of 1,614,094 alleles (0.003%); highest among the groups gnomAD compares: South Asian, 0.0077%; no homozygotes.

Submissions (2):

CeGaT Center for Human Genetics Tuebingen
Classification: Likely benign. Last evaluated: 2026-09-01. Review status: criteria provided, single submitter. Criteria: CeGaT Center For Human Genetics Tuebingen Variant Classification Criteria Version 2. Collection method: clinical testing. Allele origin: germline. Affected: yes. Observed: 1 variant allele.
Comment: TRIP12: BP4, BS2

Revvity Omics, Revvity
Classification: Uncertain significance for Clark-Baraitser syndrome. Last evaluated: 2021-12-31. Review status: criteria provided, single submitter. Criteria: ACMG Guidelines, 2015. Collection method: clinical testing. Allele origin: germline.